The following is an entry in ClinVar:

ClinVar aggregate classification (germline): Uncertain significance (1 of 4 stars; one submission).

Allele frequency attached by ClinVar (database versions not stated): TOPMed below 0.00001.
gnomAD v4.1: 2 of 1,614,172 alleles (0.00012%); highest among the groups gnomAD compares: East Asian, 0.0022%; no homozygotes.

Submission:

Labcorp Genetics (formerly Invitae), Labcorp
Classification: Uncertain significance. Last evaluated: 2022-05-03. Review status: criteria provided, single submitter. Criteria: Invitae Variant Classification Sherloc (09022015). Collection method: clinical testing. Allele origin: germline.
Comment: This variant has not been reported in the literature in individuals affected with SORL1-related conditions. In summary, the available evidence is currently insufficient to determine the role of this variant in disease. Therefore, it has been classified as a Variant of Uncertain Significance. Algorithms developed to predict the effect of missense changes on protein structure and function output the following: SIFT: "Tolerated"; PolyPhen-2: "Benign"; Align-GVGD: "Class C0". The isoleucine amino acid residue is found in multiple mammalian species, which suggests that this missense change does not adversely affect protein function. This variant is not present in population databases (gnomAD no frequency). This sequence change replaces threonine, which is neutral and polar, with isoleucine, which is neutral and non-polar, at codon 1513 of the SORL1 protein (p.Thr1513Ile).

NM_003105.6(SORL1):c.4538C>T (p.Thr1513Ile)

Gene: SORL1 (sortilin related receptor 1; plus strand). Cytogenetic location: 11q24.1.
Variant type: single nucleotide variant.
Coding change: c.4538C>T on transcript NM_003105.6 (MANE Select); coding-DNA position 4538, C replaced by T.
Protein change: p.Thr1513Ile; replaces threonine 1513 with isoleucine.
Molecular consequence: missense variant.
Genome position (GRCh38, 1-based): chr11:121,604,211, C>T. VCF-style: chr11-121604211-C-T. GRCh37 (hg19) VCF-style: chr11-121474920-C-T.
Other names: short protein forms T1513I.
Identifiers: ClinVar variation 2132798 (VCV002132798.4), dbSNP rs755783931, ClinGen allele CA383037266.
Genomic context (GRCh38, chr11:121,604,211, plus strand): 5'-CGGCCCCTCCCCGTGGACTTAAGAAGCCTCTCTGTGTTTCAGCCACACACAGCACCTTGA[C>T]TTGCATGAGCAGGGAGTTCCAGTGCGAGGACGGGGAGGCCTGCATTGTGCTCTCGGAGCG-3'
Protein context (NP_003096.2, residues 1503-1523): EANCPTHSTL[Thr1513Ile]CMSREFQCED